The following is an entry in ClinVar:

NM_014252.4(SLC25A15):c.*515A>G

Gene: SLC25A15 (solute carrier family 25 member 15; plus strand). Cytogenetic location: 13q14.11.
Variant type: single nucleotide variant.
Coding change: c.*515A>G on transcript NM_014252.4 (MANE Select); 515 bases downstream of the stop codon, A replaced by G.
Molecular consequence: 3 prime UTR variant.
Genome position (GRCh38, 1-based): chr13:40,810,182, A>G. VCF-style: chr13-40810182-A-G. GRCh37 (hg19) VCF-style: chr13-41384318-A-G.
Identifiers: ClinVar variation 312189 (VCV000312189.6), dbSNP rs7322603, ClinGen allele CA10634390.
Genomic context (GRCh38, chr13:40,810,182, plus strand): 5'-AGGGTCTGCTTAATGTGTGTACTTTTCTAAGTGGTTGATTATTTTTTATTTTTTTGATAC[A>G]GAGTCTCACTCTGTCACCCAGACTGGAGTGCAGTGGCACGATCTCGGCTCACTGCAACCT-3'

ClinVar aggregate classification (germline): Benign. Review status: criteria provided, multiple submitters, no conflicts (2 of 4 stars). 2 submissions from 2 submitters: Benign (2). Last evaluated 2018-01-13.

Conditions:
Hyperornithinemia-hyperammonemia-homocitrullinuria syndrome (HHHS). Also called: HHH SYNDROME; Ornithine translocase deficiency. Identifiers: Orphanet 415, MedGen C0268540, MONDO:0009393, OMIM 238970.

Allele frequency attached by ClinVar (database versions not stated): gnomAD exomes 0.36079; TOPMed 0.39254; gnomAD 0.39342 and 0.39638; 1000 Genomes Project 30x 0.41740; 1000 Genomes Project 0.42372.
gnomAD v4.1: 68,999 of 175,702 alleles (39%); highest among the groups gnomAD compares: East Asian, 53%; 14,306 homozygotes.

Submissions (2):

Illumina Laboratory Services, Illumina
Classification: Benign for Hyperornithinemia-hyperammonemia-homocitrullinuria syndrome. Last evaluated: 2018-01-13. Review status: criteria provided, single submitter. Criteria: ICSL Variant Classification Criteria 13 December 2019. Collection method: clinical testing. Allele origin: germline.
Comment: This variant was observed in the ICSL laboratory as part of a predisposition screen in an ostensibly healthy population. It had not been previously curated by ICSL or reported in the Human Gene Mutation Database (HGMD: prior to June 1st, 2018), and was therefore a candidate for classification through an automated scoring system. Utilizing variant allele frequency, disease prevalence and penetrance estimates, and inheritance mode, an automated score was calculated to assess if this variant is too frequent to cause the disease. Based on the score and internal cut-off values, a variant classified as benign is not then subjected to further curation. The score for this variant resulted in a classification of benign for this disease.

Breakthrough Genomics
Classification: Benign. Review status: criteria provided, single submitter. Criteria: ACMG Guidelines, 2015. Collection method: not provided. Allele origin: germline. Inheritance: Autosomal recessive inheritance. Affected: yes.